The following is an entry in ClinVar:

NM_000747.3(CHRNB1):c.872T>C (p.Leu291Pro)

Gene: CHRNB1 (cholinergic receptor nicotinic beta 1 subunit; plus strand). Cytogenetic location: 17p13.1.
Variant type: single nucleotide variant.
Coding change: c.872T>C on transcript NM_000747.3 (MANE Select); coding-DNA position 872, T replaced by C.
Protein change: p.Leu291Pro; replaces leucine 291 with proline.
Molecular consequence: missense variant.
Genome position (GRCh38, 1-based): chr17:7,454,348, T>C. VCF-style: chr17-7454348-T-C. GRCh37 (hg19) VCF-style: chr17-7357667-T-C.
Other names: short protein forms L291P.
Identifiers: ClinVar variation 422294 (VCV000422294.2), dbSNP rs1064795690, ClinGen allele CA16620605.

ClinVar aggregate classification (germline): Uncertain significance (1 of 4 stars; one submission).

Submission:

GeneDx
Classification: Uncertain significance. Last evaluated: 2016-10-04. Review status: criteria provided, single submitter. Criteria: GeneDx Variant Classification (06012015). Collection method: clinical testing. Allele origin: germline. Affected: yes.
Comment: The L291P variant in the CHRNB1 gene has not been reported previously as a pathogenic variant, nor as a benign variant, to our knowledge. The L291P variant was not observed in approximately 6500 individuals of European and African American ancestry in the NHLBI Exome Sequencing Project, indicating it is not a common benign variant in these populations. The L291P variant is a semi-conservative amino acid substitution, which may impact secondary protein structure as these residues differ in some properties. This substitution occurs at a position where amino acids with similar properties to Leucine are tolerated across species. In silico analysis predicts this variant is probably damaging to the protein structure/function. We interpret L291P as a variant of uncertain significance.